The following is an entry in ClinVar:

ClinVar aggregate classification (germline): Uncertain significance (1 of 4 stars; one submission).

Submission:

Labcorp Genetics (formerly Invitae), Labcorp
Classification: Uncertain significance. Last evaluated: 2024-04-02. Review status: criteria provided, single submitter. Criteria: Invitae Variant Classification Sherloc (09022015). Collection method: clinical testing. Allele origin: germline.
Comment: This sequence change results in a frameshift in the CWC27 gene (p.Glu470Lysfs*32). While this is not anticipated to result in nonsense mediated decay, it is expected to disrupt the last 3 amino acid(s) of the CWC27 protein and extend the protein by 28 additional amino acid residues. This variant is not present in population databases (gnomAD no frequency). This variant has not been reported in the literature in individuals affected with CWC27-related conditions. Experimental studies and prediction algorithms are not available or were not evaluated, and the functional significance of this variant is currently unknown. In summary, the available evidence is currently insufficient to determine the role of this variant in disease. Therefore, it has been classified as a Variant of Uncertain Significance.

NM_005869.4(CWC27):c.1407del (p.Glu470fs)

Gene: CWC27 (CWC27 spliceosome associated cyclophilin; plus strand). Cytogenetic location: 5q12.3.
Variant type: Deletion.
Coding change: c.1407del on transcript NM_005869.4 (MANE Select); coding-DNA position 1407, one base deleted (A; older notation c.1407delA).
Protein change: p.Glu470fs; shifts the reading frame from glutamic acid 470.
Molecular consequence: frameshift variant. On other transcripts: 3 prime UTR variant (1).
Genome position (GRCh38, 1-based): chr5:65,018,309, A deleted; the last of 6 consecutive A bases (chr5:65,018,304-65,018,309); deleting any one gives the same sequence. VCF-style (leftmost placement, unchanged base first): chr5-65018303-GA-G. GRCh37 (hg19) VCF-style: chr5-64314130-GA-G.
Other names: c.*127del (NM_001297644.1); short protein forms E470fs.
Identifiers: ClinVar variation 3641313 (VCV003641313.2).